The following is an entry in ClinVar:

NM_001145860.2(POP1):c.1268+4T>G

Gene: POP1 (POP1 ribonuclease P/MRP subunit; plus strand). Cytogenetic location: 8q22.2.
Variant type: single nucleotide variant.
Coding change: c.1268+4T>G on transcript NM_001145860.2 (MANE Select); 4 bases into the intron after coding-DNA position 1268, T replaced by G.
Molecular consequence: intron variant.
Genome position (GRCh38, 1-based): chr8:98,136,742, T>G. VCF-style: chr8-98136742-T-G. GRCh37 (hg19) VCF-style: chr8-99148970-T-G.
Other names: c.1268+4T>G (NM_001145861.2, NM_015029.3).
Identifiers: ClinVar variation 2064373 (VCV002064373.4), dbSNP rs1163998015, ClinGen allele CA583846120.

ClinVar aggregate classification (germline): Uncertain significance (1 of 4 stars; one submission).

Allele frequency attached by ClinVar (database versions not stated): gnomAD exomes below 0.00001.
gnomAD v4.1: 6 of 1,614,006 alleles (0.00037%); highest among the groups gnomAD compares: South Asian, 0.0033%; no homozygotes.

Submission:

Labcorp Genetics (formerly Invitae), Labcorp
Classification: Uncertain significance. Last evaluated: 2022-02-18. Review status: criteria provided, single submitter. Criteria: Invitae Variant Classification Sherloc (09022015). Collection method: clinical testing. Allele origin: germline.
Comment: This variant is present in population databases (no rsID available, gnomAD 0.003%). In summary, the available evidence is currently insufficient to determine the role of this variant in disease. Therefore, it has been classified as a Variant of Uncertain Significance. Variants that disrupt the consensus splice site are a relatively common cause of aberrant splicing (PMID: 17576681, 9536098). Algorithms developed to predict the effect of sequence changes on RNA splicing suggest that this variant is not likely to affect RNA splicing. This variant has not been reported in the literature in individuals affected with POP1-related conditions. This sequence change falls in intron 8 of the POP1 gene. It does not directly change the encoded amino acid sequence of the POP1 protein. It affects a nucleotide within the consensus splice site.

Literature cited by the submitters: PubMed 17576681; PubMed 9536098.